The following is an entry in ClinVar:

ClinVar aggregate classification (germline): Uncertain significance (1 of 4 stars; one submission).

Conditions:
Spermatogenic failure 18. Identifiers: MedGen C4539783, MONDO:0054615, OMIM 617576.
Ciliary dyskinesia, primary, 37 (CILD37). Also called: CILIARY DYSKINESIA, PRIMARY, 37, WITH OR WITHOUT SITUS INVERSUS. Identifiers: MedGen C4539798, MONDO:0033204, OMIM 617577.

Submission:

Labcorp Genetics (formerly Invitae), Labcorp
Classification: Uncertain significance for Ciliary dyskinesia, primary, 37; Spermatogenic failure 18. Last evaluated: 2025-12-02. Review status: criteria provided, single submitter. Criteria: Invitae Variant Classification Sherloc (09022015). Collection method: clinical testing. Allele origin: germline.
Comment: This sequence change replaces glycine, which is neutral and non-polar, with serine, which is neutral and polar, at codon 2159 of the DNAH1 protein (p.Gly2159Ser). This variant is not present in population databases (gnomAD no frequency). This variant has not been reported in the literature in individuals affected with DNAH1-related conditions. An algorithm developed to predict the effect of missense changes on protein structure and function (PolyPhen-2) suggests that this variant is likely to be tolerated. In summary, the available evidence is currently insufficient to determine the role of this variant in disease. Therefore, it has been classified as a Variant of Uncertain Significance.

NM_015512.5(DNAH1):c.6475G>A (p.Gly2159Ser)

Gene: DNAH1 (dynein axonemal heavy chain 1; plus strand). Cytogenetic location: 3p21.1.
Variant type: single nucleotide variant.
Coding change: c.6475G>A on transcript NM_015512.5 (MANE Select); coding-DNA position 6475, G replaced by A.
Protein change: p.Gly2159Ser; replaces glycine 2159 with serine.
Molecular consequence: missense variant.
Genome position (GRCh38, 1-based): chr3:52,370,775, G>A. VCF-style: chr3-52370775-G-A. GRCh37 (hg19) VCF-style: chr3-52404791-G-A.
Other names: short protein forms G2159S.
Identifiers: ClinVar variation 4786812 (VCV004786812.1).